The following is an entry in ClinVar:

ClinVar aggregate classification (germline): Pathogenic. Review status: criteria provided, multiple submitters, no conflicts (2 of 4 stars). 4 submissions from 4 submitters: Pathogenic (4). Last evaluated 2025-07-02.

Conditions:
Cardiovascular phenotype. Identifiers: MedGen CN230736.
Hereditary cancer-predisposing syndrome. Also called: Hereditary Cancer Syndrome; Hereditary neoplastic syndrome; Neoplastic Syndromes, Hereditary; Tumor predisposition. Identifiers: Orphanet 140162, MedGen C0027672, MeSH D009386, MONDO:0015356.
Neurofibromatosis, type 1 (NF1). Also called: Neurofibromatosis, type I; VON RECKLINGHAUSEN DISEASE; NEUROFIBROMATOSIS, TYPE I, SOMATIC; Peripheral type neurofibromatosis. Identifiers: Orphanet 636, MedGen C0027831, MONDO:0018975, OMIM 162200. Disease mechanism: loss of function.

Submissions (5):

Ambry Genetics
Classification: Pathogenic for Cardiovascular phenotype; Hereditary cancer-predisposing syndrome. Last evaluated: 2025-07-02. Review status: criteria provided, single submitter. Criteria: Ambry Variant Classification Scheme 2023. Collection method: clinical testing. Allele origin: germline.
Comment: The c.1845+2T>G intronic pathogenic mutation results from a T to G substitution two nucleotides after coding exon 16 in the NF1 gene. This alteration was detected in individuals with neurofibromatosis type 1 (NF1) (Castellanos E et al. Clin Genet, 2020 Feb;97:264-275; Ambry internal data). Other variant(s) impacting the same donor site (c.1845+1G>A) has been identified in individual(s) with features consistent with NF1 (Fang LJ et al. J Mol Biol, 2001 Apr;307:1261-70; Chai P et al. BMC Med Genet, 2019 Sep;20:158). In silico splice site analysis predicts that this alteration will weaken the native splice donor site; however, direct evidence is insufficient at this time (Ambry internal data). This nucleotide position is highly conserved in available vertebrate species. This variant is considered to be rare based on population cohorts in the Genome Aggregation Database (gnomAD). Based on the supporting evidence, this variant is interpreted as a disease-causing mutation.

NHS Central & South Genomic Laboratory Hub
Classification: Pathogenic for Neurofibromatosis type 1. Last evaluated: 2024-11-11. Review status: criteria provided, single submitter. Criteria: ACMG Guidelines, 2015. Collection method: clinical testing. Allele origin: germline. Affected: yes.

Labcorp Genetics (formerly Invitae), Labcorp
Classification: Pathogenic for Neurofibromatosis, type 1. Last evaluated: 2024-01-17. Review status: criteria provided, single submitter. Criteria: Invitae Variant Classification Sherloc (09022015). Collection method: clinical testing. Allele origin: germline.
Comment: This sequence change affects a donor splice site in intron 16 of the NF1 gene. It is expected to disrupt RNA splicing. Variants that disrupt the donor or acceptor splice site typically lead to a loss of protein function (PMID: 16199547), and loss-of-function variants in NF1 are known to be pathogenic (PMID: 10712197, 23913538). This variant is not present in population databases (gnomAD no frequency). Disruption of this splice site has been observed in individual(s) with NF1-related conditions (PMID: 29625052, 31573083). ClinVar contains an entry for this variant (Variation ID: 1723080). Algorithms developed to predict the effect of sequence changes on RNA splicing suggest that this variant may disrupt the consensus splice site. For these reasons, this variant has been classified as Pathogenic.

GeneDx
Classification: Pathogenic. Last evaluated: 2022-05-06. Review status: criteria provided, single submitter. Criteria: GeneDx Variant Classification Process June 2021. Collection method: clinical testing. Allele origin: germline. Affected: yes.
Comment: Canonical splice site variant predicted to result in a null allele in a gene for which loss of function is a known mechanism of disease; Not observed at significant frequency in large population cohorts (gnomAD); This variant is associated with the following publications: (PMID: 29625052, 31573083)

Dr. Peter K. Rogan Lab, Western University
No classification provided (evidence only). Condition: Sarcoma. Review status: no classification provided. Collection method: in vitro. Allele origin: not applicable. Functional consequence: skipped exon, retained intron. Not counted in ClinVar's aggregate classification.

Literature cited by the submitters: PubMed 31573083 (cited by Ambry Genetics and Labcorp Genetics (formerly Invitae), Labcorp); PubMed 16199547 (cited by Labcorp Genetics (formerly Invitae), Labcorp); PubMed 10712197 (cited by Labcorp Genetics (formerly Invitae), Labcorp); PubMed 23913538 (cited by Labcorp Genetics (formerly Invitae), Labcorp); PubMed 29625052 (cited by Labcorp Genetics (formerly Invitae), Labcorp).

NM_001042492.3(NF1):c.1845+2T>G

Gene: NF1 (neurofibromin 1; plus strand). Cytogenetic location: 17q11.2.
Variant type: single nucleotide variant.
Coding change: c.1845+2T>G on transcript NM_001042492.3 (MANE Select); the canonical splice donor site of the intron after coding-DNA position 1845, T replaced by G.
Molecular consequence: splice donor variant.
Genome position (GRCh38, 1-based): chr17:31,223,569, T>G. VCF-style: chr17-31223569-T-G. GRCh37 (hg19) VCF-style: chr17-29550587-T-G.
Other names: c.1845+2T>G (NM_000267.4).
Identifiers: ClinVar variation 1723080 (VCV001723080.12), dbSNP rs1555613430, ClinGen allele CA399004793.